The following is an entry in ClinVar:

ClinVar aggregate classification (germline): Uncertain significance (1 of 4 stars; one submission).

Submission:

Labcorp Genetics (formerly Invitae), Labcorp
Classification: Uncertain significance. Last evaluated: 2023-08-04. Review status: criteria provided, single submitter. Criteria: Invitae Variant Classification Sherloc (09022015). Collection method: clinical testing. Allele origin: germline.
Comment: This sequence change replaces leucine, which is neutral and non-polar, with valine, which is neutral and non-polar, at codon 426 of the ADGRG1 protein (p.Leu426Val). This variant is not present in population databases (gnomAD no frequency). This variant has not been reported in the literature in individuals affected with ADGRG1-related conditions. ClinVar contains an entry for this variant (Variation ID: 1980327). Advanced modeling of protein sequence and biophysical properties (such as structural, functional, and spatial information, amino acid conservation, physicochemical variation, residue mobility, and thermodynamic stability) performed at Invitae indicates that this missense variant is not expected to disrupt ADGRG1 protein function. In summary, the available evidence is currently insufficient to determine the role of this variant in disease. Therefore, it has been classified as a Variant of Uncertain Significance.

NM_201525.4(ADGRG1):c.1276C>G (p.Leu426Val)

Gene: ADGRG1 (adhesion G protein-coupled receptor G1; plus strand). Cytogenetic location: 16q21.
Variant type: single nucleotide variant.
Coding change: c.1276C>G on transcript NM_201525.4 (MANE Select); coding-DNA position 1276, C replaced by G.
Protein change: p.Leu426Val; replaces leucine 426 with valine.
Molecular consequence: missense variant.
Genome position (GRCh38, 1-based): chr16:57,657,481, C>G. VCF-style: chr16-57657481-C-G. GRCh37 (hg19) VCF-style: chr16-57691393-C-G.
Other names: c.1276C>G, p.Leu426Val (NM_001370437.1, NM_001370438.1, NM_001370439.1 and 14 more transcripts); c.1273C>G, p.Leu425Val (NM_001370441.1, NM_001370434.1); c.1120C>G, p.Leu374Val (NM_001370442.1); c.751C>G, p.Leu251Val (NM_001370451.1, NM_001370453.1, NM_001370454.1 and 2 more transcripts); c.1291C>G, p.Leu431Val (NM_001145773.3, NM_001370433.1); c.766C>G, p.Leu256Val (NM_001290142.2); short protein forms L256V, L426V, L431V, L251V, L374V, L425V.
Identifiers: ClinVar variation 1980327 (VCV001980327.4), dbSNP rs1372784137, ClinGen allele CA396049407.
Genomic context (GRCh38, chr16:57,657,481, plus strand): 5'-CTCTCCTACGTGGGCTGTGTCGTCTCTGCCCTGGCCTGCCTTGTCACCATTGCCGCCTAC[C>G]TCTGCTCCAGGTGAGGCCTGAAAGGGGTGGGACAGGGGAGGGGACCCTCCATTGCACACA-3'
Protein context (NP_958933.1, residues 416-436): LACLVTIAAY[Leu426Val]CSRRKPRDYT